The following is an entry in ClinVar:

NM_001199397.3(NEK1):c.1109T>C (p.Phe370Ser)

Gene: NEK1 (NIMA related kinase 1; minus strand). Cytogenetic location: 4q33.
Variant type: single nucleotide variant.
Coding change: c.1109T>C on transcript NM_001199397.3 (MANE Select); coding-DNA position 1109, T replaced by C.
Protein change: p.Phe370Ser; replaces phenylalanine 370 with serine.
Molecular consequence: missense variant. On other transcripts: non-coding transcript variant (2).
Genome position (GRCh38, 1-based): chr4:169,561,863, A>G on the plus strand (T>C on the coding strand, the complement: NEK1 is on the minus strand). VCF-style: chr4-169561863-A-G. GRCh37 (hg19) VCF-style: chr4-170483014-A-G.
Other names: c.1109T>C, p.Phe370Ser (NM_001199398.3, NM_001199399.3, NM_001199400.3 and 7 more transcripts); short protein forms F370S.
Identifiers: ClinVar variation 3710378 (VCV003710378.2).

ClinVar aggregate classification (germline): Uncertain significance (1 of 4 stars; one submission).

Conditions:
Short-rib thoracic dysplasia 6 with or without polydactyly (SRTD6). Also called: SHORT RIB-POLYDACTYLY SYNDROME, TYPE IIA; Majewski Syndrome; POLYDACTYLY WITH NEONATAL CHONDRODYSTROPHY, TYPE II; SHORT-RIB THORACIC DYSPLASIA 6 WITH POLYDACTYLY; SHORT-RIB THORACIC DYSPLASIA 6 WITHOUT POLYDACTYLY. Identifiers: MedGen C0024507, MONDO:0009894, OMIM 263520.

gnomAD v4.1: 1 of 1,609,568 alleles (0.000062%); highest among the groups gnomAD compares: African/African-American, 0.0013%; no homozygotes.

Submission:

Labcorp Genetics (formerly Invitae), Labcorp
Classification: Uncertain significance for Short-rib thoracic dysplasia 6 with or without polydactyly. Last evaluated: 2024-01-25. Review status: criteria provided, single submitter. Criteria: Invitae Variant Classification Sherloc (09022015). Collection method: clinical testing. Allele origin: germline.
Comment: This sequence change replaces phenylalanine, which is neutral and non-polar, with serine, which is neutral and polar, at codon 370 of the NEK1 protein (p.Phe370Ser). This variant is not present in population databases (gnomAD no frequency). This variant has not been reported in the literature in individuals affected with NEK1-related conditions. Advanced modeling of protein sequence and biophysical properties (such as structural, functional, and spatial information, amino acid conservation, physicochemical variation, residue mobility, and thermodynamic stability) performed at Invitae indicates that this missense variant is not expected to disrupt NEK1 protein function with a negative predictive value of 95%. In summary, the available evidence is currently insufficient to determine the role of this variant in disease. Therefore, it has been classified as a Variant of Uncertain Significance.